The following is an entry in ClinVar:

NM_001242896.3(DEPDC5):c.3031G>A (p.Ala1011Thr)

Gene: DEPDC5 (DEP domain containing 5, GATOR1 subcomplex subunit; plus strand). Cytogenetic location: 22q12.3.
Variant type: single nucleotide variant.
Coding change: c.3031G>A on transcript NM_001242896.3 (MANE Select); coding-DNA position 3031, G replaced by A.
Protein change: p.Ala1011Thr; replaces alanine 1011 with threonine.
Molecular consequence: missense variant. On other transcripts: non-coding transcript variant (5).
Genome position (GRCh38, 1-based): chr22:31,846,843, G>A. VCF-style: chr22-31846843-G-A. GRCh37 (hg19) VCF-style: chr22-32242829-G-A.
Other names: c.3004G>A, p.Ala1002Thr (NM_001136029.4, NM_001369903.1, NM_014662.6); c.2797G>A, p.Ala933Thr (NM_001242897.2, NM_001363854.2, NM_001364319.2); c.3031G>A, p.Ala1011Thr (NM_001363852.2, NM_001364318.2, NM_001364320.2); c.2947G>A, p.Ala983Thr (NM_001369901.1, NM_001369902.1); short protein forms A1002T, A1011T, A933T, A983T.
Identifiers: ClinVar variation 1362303 (VCV001362303.8), dbSNP rs764941727, ClinGen allele CA10196864.

ClinVar aggregate classification (germline): Uncertain significance (1 of 4 stars; one submission).

Conditions:
Familial focal epilepsy with variable foci (FPEVF). Identifiers: Orphanet 98820, MedGen C1858477, MONDO:0020310.

gnomAD v4.1: 22 of 1,614,058 alleles (0.0014%); highest among the groups gnomAD compares: African/African-American, 0.013%; no homozygotes.

Submission:

Labcorp Genetics (formerly Invitae), Labcorp
Classification: Uncertain significance for Familial focal epilepsy with variable foci. Last evaluated: 2024-05-26. Review status: criteria provided, single submitter. Criteria: Invitae Variant Classification Sherloc (09022015). Collection method: clinical testing. Allele origin: germline.
Comment: This sequence change replaces alanine, which is neutral and non-polar, with threonine, which is neutral and polar, at codon 1011 of the DEPDC5 protein (p.Ala1011Thr). This variant is present in population databases (rs764941727, gnomAD 0.02%). This variant has not been reported in the literature in individuals affected with DEPDC5-related conditions. ClinVar contains an entry for this variant (Variation ID: 1362303). Algorithms developed to predict the effect of missense changes on protein structure and function output the following: SIFT: "Not Available"; PolyPhen-2: "Not Available"; Align-GVGD: "Not Available". The threonine amino acid residue is found in multiple mammalian species, which suggests that this missense change does not adversely affect protein function. In summary, the available evidence is currently insufficient to determine the role of this variant in disease. Therefore, it has been classified as a Variant of Uncertain Significance.